The following is an entry in ClinVar:

ClinVar aggregate classification (germline): Uncertain significance (1 of 4 stars; one submission).

Conditions:
Jeune thoracic dystrophy. Also called: Jeune syndrome; Infantile thoracic dystrophy; Thoracic pelvic phalangeal dystrophy; Jeune's syndrome; Chondroectodermal dysplasia-like syndrome; Short-rib thoracic dysplasia. Identifiers: Orphanet 474, MedGen C0265275, MONDO:0018770.

gnomAD v4.1: 3 of 1,609,656 alleles (0.00019%); highest among the groups gnomAD compares: Non-Finnish European, 0.00025%; no homozygotes.

Submission:

Labcorp Genetics (formerly Invitae), Labcorp
Classification: Uncertain significance for Jeune thoracic dystrophy. Last evaluated: 2024-02-10. Review status: criteria provided, single submitter. Criteria: Invitae Variant Classification Sherloc (09022015). Collection method: clinical testing. Allele origin: germline.
Comment: This sequence change replaces threonine, which is neutral and polar, with isoleucine, which is neutral and non-polar, at codon 1770 of the DYNC2H1 protein (p.Thr1770Ile). This variant is present in population databases (no rsID available, gnomAD 0.0009%). This variant has not been reported in the literature in individuals affected with DYNC2H1-related conditions. Advanced modeling of protein sequence and biophysical properties (such as structural, functional, and spatial information, amino acid conservation, physicochemical variation, residue mobility, and thermodynamic stability) performed at Invitae indicates that this missense variant is not expected to disrupt DYNC2H1 protein function with a negative predictive value of 95%. In summary, the available evidence is currently insufficient to determine the role of this variant in disease. Therefore, it has been classified as a Variant of Uncertain Significance.

NM_001377.3(DYNC2H1):c.5309C>T (p.Thr1770Ile)

Gene: DYNC2H1 (dynein cytoplasmic 2 heavy chain 1; plus strand). Cytogenetic location: 11q22.3.
Variant type: single nucleotide variant.
Coding change: c.5309C>T on transcript NM_001377.3 (MANE Select); coding-DNA position 5309, C replaced by T.
Protein change: p.Thr1770Ile; replaces threonine 1770 with isoleucine.
Molecular consequence: missense variant.
Genome position (GRCh38, 1-based): chr11:103,171,043, C>T. VCF-style: chr11-103171043-C-T. GRCh37 (hg19) VCF-style: chr11-103041772-C-T.
Other names: c.5309C>T, p.Thr1770Ile (NM_001080463.2); short protein forms T1770I.
Identifiers: ClinVar variation 3710071 (VCV003710071.2).
Genomic context (GRCh38, chr11:103,171,043, plus strand): 5'-TACTGTCAGCAGTTTCTATGCAAATCCAGACAATTCAAGATGCTTTGAAGAATCATAGAA[C>T]TGTATGTGAACTGCTTGGCAAGGAGGTATAGAATATGTTGGGAATTTAAAGAATTAAAAT-3'
Protein context (NP_001368.2, residues 1760-1780): TIQDALKNHR[Thr1770Ile]VCELLGKEVE